The following is an entry in ClinVar:

NM_000612.6(IGF2):c.391C>T (p.Pro131Ser)

Genes: IGF2 (insulin like growth factor 2; minus strand), INS-IGF2 (INS-IGF2 readthrough; minus strand). Cytogenetic location: 11p15.5.
Variant type: single nucleotide variant.
Coding change: c.391C>T on transcript NM_000612.6 (MANE Select); coding-DNA position 391, C replaced by T.
Protein change: p.Pro131Ser; replaces proline 131 with serine.
Molecular consequence: missense variant. On other transcripts: non-coding transcript variant (1).
Genome position (GRCh38, 1-based): chr11:2,133,139, G>A on the plus strand (C>T on the coding strand, the complement: IGF2 is on the minus strand). VCF-style: chr11-2133139-G-A. GRCh37 (hg19) VCF-style: chr11-2154369-G-A.
Other names: c.391C>T, p.Pro131Ser (NM_001291862.3, NM_001007139.6, NM_001291861.3); c.559C>T, p.Pro187Ser (NM_001127598.3); short protein forms P131S, P187S.
Identifiers: ClinVar variation 4882615 (VCV004882615.2).

ClinVar aggregate classification (germline): Uncertain significance (1 of 4 stars; one submission).

Submission:

Dasa
Classification: Uncertain significance. Last evaluated: 2025-05-05. Review status: criteria provided, single submitter. Criteria: DASA Assertion Criteria. Collection method: clinical testing. Allele origin: germline.
Comment: NM_000612.6(IGF2):c.391C>T (p.Pro131Ser) is a missense variant that results in the substitution of proline with serine. This variant is absent from population databases. The currently available literature and clinical evidence are not sufficient to establish a definitive association between this variant and the reported condition. Therefore, this variant is classified as a variant of uncertain significance.